The following is an entry in ClinVar:

ClinVar aggregate classification (germline): Conflicting classifications of pathogenicity. Review status: criteria provided, conflicting classifications (1 of 4 stars). 3 submissions from 3 submitters: Likely pathogenic (1); Uncertain significance (2). Last evaluated 2025-08-15.

Conditions:
Hereditary cancer-predisposing syndrome. Also called: Neoplastic Syndromes, Hereditary; Tumor predisposition; Hereditary Cancer Syndrome; Hereditary neoplastic syndrome. Identifiers: Orphanet 140162, MedGen C0027672, MeSH D009386, MONDO:0015356.
Familial adenomatous polyposis 2. Also called: Adenomas, multiple colorectal; MUTYH Polyposis; COLORECTAL ADENOMATOUS POLYPOSIS, AUTOSOMAL RECESSIVE; ADENOMAS, MULTIPLE COLORECTAL, AUTOSOMAL RECESSIVE; MUTYH-associated polyposis; MUTYH-related attenuated familial adenomatous polyposis. Identifiers: Orphanet 220460, Orphanet 247798, MedGen C3272841, MONDO:0012041, OMIM 608456.

Submissions (3):

Ambry Genetics
Classification: Likely pathogenic for Hereditary cancer-predisposing syndrome. Last evaluated: 2025-08-15. Review status: criteria provided, single submitter. Criteria: Ambry Variant Classification Scheme 2023. Collection method: clinical testing. Allele origin: germline.
Comment: The p.P202S variant (also known as c.604C>T), located in coding exon 8 of the MUTYH gene, results from a C to T substitution at nucleotide position 604. The proline at codon 202 is replaced by serine, an amino acid with similar properties. In a massively parallel cell-based functional assay testing 7,8-dihydro-8- oxoguanine:adenine (8OG:A) repair activity, a byproduct of oxidative damage, this variant was reported to be non-functional (Hemker SL et al. Am J Hum Genet. Published online July 29, 2025. DOI: 10.1016/j.ajhg.2025.07.005). This amino acid position is highly conserved in available vertebrate species. In addition, this alteration is predicted to be deleterious by in silico analysis. This variant is considered to be rare based on population cohorts in the Genome Aggregation Database (gnomAD). Based on the majority of available evidence to date, this variant is likely to be pathogenic.

Labcorp Genetics (formerly Invitae), Labcorp
Classification: Uncertain significance for Familial adenomatous polyposis 2. Last evaluated: 2024-12-09. Review status: criteria provided, single submitter. Criteria: Invitae Variant Classification Sherloc (09022015). Collection method: clinical testing. Allele origin: germline.
Comment: This sequence change replaces proline, which is neutral and non-polar, with serine, which is neutral and polar, at codon 202 of the MUTYH protein (p.Pro202Ser). This variant is not present in population databases (gnomAD no frequency). This variant has not been reported in the literature in individuals affected with MUTYH-related conditions. ClinVar contains an entry for this variant (Variation ID: 918425). An algorithm developed to predict the effect of missense changes on protein structure and function (PolyPhen-2) suggests that this variant is likely to be disruptive. In summary, the available evidence is currently insufficient to determine the role of this variant in disease. Therefore, it has been classified as a Variant of Uncertain Significance.

Color Diagnostics, LLC DBA Color Health
Classification: Uncertain significance for Hereditary cancer-predisposing syndrome. Last evaluated: 2019-09-06. Review status: criteria provided, single submitter. Criteria: ACMG Guidelines, 2015. Collection method: clinical testing. Allele origin: germline.
Comment: This missense variant replaces proline with serine at codon 202 of the MUTYH protein. Computational prediction tools and conservation analyses suggest that this variant may have deleterious impact on protein structure and function. Splice site prediction tools suggest that this variant may not impact RNA splicing. To our knowledge, functional studies have not been performed for this variant. This variant has not been reported in individuals affected with hereditary cancer in the literature. This variant has not been identified in the general population by the Genome Aggregation Database (gnomAD). The available evidence is insufficient to determine the role of this variant in disease conclusively. Therefore, this variant is classified as a Variant of Uncertain Significance.

Literature cited by the submitters: PubMed 40738107 (cited by Ambry Genetics).

NM_001048174.2(MUTYH):c.520C>T (p.Pro174Ser)

Gene: MUTYH (mutY DNA glycosylase; minus strand). Cytogenetic location: 1p34.1.
Variant type: single nucleotide variant.
Coding change: c.520C>T on transcript NM_001048174.2 (MANE Select); coding-DNA position 520, C replaced by T.
Protein change: p.Pro174Ser; replaces proline 174 with serine.
Molecular consequence: missense variant. On other transcripts: non-coding transcript variant (2).
Genome position (GRCh38, 1-based): chr1:45,332,660, G>A on the plus strand (C>T on the coding strand, the complement: MUTYH is on the minus strand). VCF-style: chr1-45332660-G-A. GRCh37 (hg19) VCF-style: chr1-45798332-G-A.
Other names: c.520C>T, p.Pro174Ser (NM_001048171.2, NM_001048173.2, NM_001293195.2); c.523C>T, p.Pro175Ser (NM_001048172.2); c.604C>T, p.Pro202Ser (NM_001128425.2); c.565C>T, p.Pro189Ser (NM_001293190.2); c.553C>T, p.Pro185Ser (NM_001293191.2); c.244C>T, p.Pro82Ser (NM_001293192.2, NM_001293196.2); c.175C>T, p.Pro59Ser (NM_001350650.2, NM_001350651.2); c.595C>T, p.Pro199Ser (NM_012222.3); short protein forms P174S, P199S, P185S, P175S, P189S, P202S, P59S, P82S.
Identifiers: ClinVar variation 918425 (VCV000918425.8), dbSNP rs1645153275, ClinGen allele CA340135411.